The following is an entry in ClinVar:

ClinVar aggregate classification (germline): Pathogenic (0 of 4 stars; one submission).

Conditions:
SHOX-related short stature. Also called: SHORT STATURE, IDIOPATHIC, X-LINKED. Identifiers: Orphanet 314795, MedGen C1845118, MONDO:0010367, OMIM 300582. Disease mechanism: loss of function.

Submission:

Human Genetics Disease in Children – Taif University, Taif University
Classification: Pathogenic for SHOX-related short stature. Last evaluated: 2016-03-03. Review status: no assertion criteria provided. Collection method: clinical testing. Allele origin: unknown. Affected: yes. Observed: 1 heterozygote.
Comment: THis mutation is in the homeodomain DNA binding site of SHOX gene in exon 4 (c. 528G>C), which plays an important role in DNA binding, protein transactivation, cell cycle and growth regulation. Clement et al. (2000) stated that the homeodomain proteins have important physiological functions in regulating embryonic development in vertebrates, suggesting that the mutations in SHOX gene especially in homeodomain region may lead to developmental abnormalities. According to the PolyPhen-2 prediction program this mutation is predicted to be probably damaging and considered to be pathogenic.

NM_000451.4(SHOX):c.528G>C (p.Glu176Asp)

Gene: SHOX (SHOX homeobox; plus strand). Cytogenetic location: Xp22.33.
Variant type: single nucleotide variant.
Coding change: c.528G>C on transcript NM_000451.4 (MANE Select); coding-DNA position 528, G replaced by C.
Protein change: p.Glu176Asp; replaces glutamic acid 176 with aspartic acid.
Molecular consequence: missense variant.
Genome position (GRCh38, 1-based): chrX:640,862, G>C. VCF-style: chrX-640862-G-C. GRCh37 (hg19) VCF-style: chrX-601597-G-C.
Other names: c.528G>C, p.Glu176Asp (NM_006883.2); short protein forms E176D.
Identifiers: ClinVar variation 265858 (VCV000265858.1), dbSNP rs778921118, ClinGen allele CA325623412.
Genomic context (GRCh38, chrX:640,862, plus strand): 5'-CTCTCTGCTTCTCCCCAAGGTTTGGTTCCAGAACCGGAGAGCCAAGTGCCGCAAACAAGA[G>C]AATCAGATGCATAAAGGTGGGTGTCGGGACTGGGGGGACCTGAAGCTGGGGGATCCTGCT-3'
Protein context (NP_000442.1, residues 166-186): QNRRAKCRKQ[Glu176Asp]NQMHKGVILG